The following is an entry in ClinVar:

ClinVar aggregate classification (germline): Uncertain significance. Review status: criteria provided, multiple submitters, no conflicts (2 of 4 stars). 3 submissions from 3 submitters: Uncertain significance (3). Last evaluated 2025-03-01.

Conditions:
Inborn genetic diseases. Identifiers: MedGen C0950123, MeSH D030342.

Allele frequency attached by ClinVar (database versions not stated): gnomAD 0.00002; gnomAD exomes 0.00002; TOPMed 0.00003; ExAC 0.00004.
gnomAD v4.1: 40 of 1,575,824 alleles (0.0025%); highest among the groups gnomAD compares: Admixed American, 0.0037%; no homozygotes.

Submissions (3):

CeGaT Center for Human Genetics Tuebingen
Classification: Uncertain significance. Last evaluated: 2025-03-01. Review status: criteria provided, single submitter. Criteria: CeGaT Center For Human Genetics Tuebingen Variant Classification Criteria Version 2. Collection method: clinical testing. Allele origin: germline. Affected: yes. Observed: 1 variant allele.

Labcorp Genetics (formerly Invitae), Labcorp
Classification: Uncertain significance. Last evaluated: 2024-05-27. Review status: criteria provided, single submitter. Criteria: Invitae Variant Classification Sherloc (09022015). Collection method: clinical testing. Allele origin: germline.
Comment: This sequence change replaces glycine, which is neutral and non-polar, with serine, which is neutral and polar, at codon 104 of the ZMIZ1 protein (p.Gly104Ser). This variant is present in population databases (rs753809314, gnomAD 0.007%). This variant has not been reported in the literature in individuals affected with ZMIZ1-related conditions. ClinVar contains an entry for this variant (Variation ID: 1986169). An algorithm developed to predict the effect of missense changes on protein structure and function (PolyPhen-2) suggests that this variant is likely to be disruptive. In summary, the available evidence is currently insufficient to determine the role of this variant in disease. Therefore, it has been classified as a Variant of Uncertain Significance.

Ambry Genetics
Classification: Uncertain significance for Inborn genetic diseases. Last evaluated: 2024-04-23. Review status: criteria provided, single submitter. Criteria: Ambry Variant Classification Scheme 2023. Collection method: clinical testing. Allele origin: germline.

NM_020338.4(ZMIZ1):c.310G>A (p.Gly104Ser)

Gene: ZMIZ1 (zinc finger MIZ-type containing 1; plus strand). Cytogenetic location: 10q22.3.
Variant type: single nucleotide variant.
Coding change: c.310G>A on transcript NM_020338.4 (MANE Select); coding-DNA position 310, G replaced by A.
Protein change: p.Gly104Ser; replaces glycine 104 with serine.
Molecular consequence: missense variant.
Genome position (GRCh38, 1-based): chr10:79,277,210, G>A. VCF-style: chr10-79277210-G-A. GRCh37 (hg19) VCF-style: chr10-81036967-G-A.
Other names: c.310G>A (NM_020338.3); short protein forms G104S.
Identifiers: ClinVar variation 1986169 (VCV001986169.11), dbSNP rs753809314, ClinGen allele CA5572278.